The following is an entry in ClinVar:

ClinVar aggregate classification (germline): Uncertain significance. Review status: criteria provided, multiple submitters, no conflicts (2 of 4 stars). 2 submissions from 2 submitters: Uncertain significance (2). Last evaluated 2025-10-02.

gnomAD v4.1: 3 of 1,613,980 alleles (0.00019%); highest among the groups gnomAD compares: Non-Finnish European, 0.00025%; no homozygotes.

Submissions (2):

Ambry Genetics
Classification: Uncertain significance. Last evaluated: 2025-10-02. Review status: criteria provided, single submitter. Criteria: Ambry Variant Classification Scheme 2023. Collection method: clinical testing. Allele origin: germline.

Labcorp Genetics (formerly Invitae), Labcorp
Classification: Uncertain significance. Last evaluated: 2025-03-28. Review status: criteria provided, single submitter. Criteria: Invitae Variant Classification Sherloc (09022015). Collection method: clinical testing. Allele origin: germline.
Comment: This sequence change replaces glutamic acid, which is acidic and polar, with glycine, which is neutral and non-polar, at codon 454 of the MYH7B protein (p.Glu454Gly). This variant is present in population databases (no rsID available, gnomAD 0.0009%). This variant has not been reported in the literature in individuals affected with MYH7B-related conditions. Invitae Evidence Modeling of protein sequence and biophysical properties (such as structural, functional, and spatial information, amino acid conservation, physicochemical variation, residue mobility, and thermodynamic stability) indicates that this missense variant is not expected to disrupt MYH7B protein function with a negative predictive value of 80%. Algorithms developed to predict the effect of sequence changes on RNA splicing suggest that this variant may disrupt the consensus splice site. In summary, the available evidence is currently insufficient to determine the role of this variant in disease. Therefore, it has been classified as a Variant of Uncertain Significance.

NM_020884.7(MYH7B):c.1235A>G (p.Glu412Gly)

Gene: MYH7B (myosin heavy chain 7B; plus strand). Cytogenetic location: 20q11.22.
Variant type: single nucleotide variant.
Coding change: c.1235A>G on transcript NM_020884.7 (MANE Select); coding-DNA position 1235, A replaced by G.
Protein change: p.Glu412Gly; replaces glutamic acid 412 with glycine.
Molecular consequence: missense variant.
Genome position (GRCh38, 1-based): chr20:34,987,644, A>G. VCF-style: chr20-34987644-A-G. GRCh37 (hg19) VCF-style: chr20-33575447-A-G.
Other names: short protein forms E412G.
Identifiers: ClinVar variation 4554863 (VCV004554863.2).